The following is an entry in ClinVar:

NM_001458.5(FLNC):c.8168A>T (p.Lys2723Met)

Genes: FLNC-AS1 (FLNC antisense RNA 1; minus strand), FLNC (filamin C; plus strand). Cytogenetic location: 7q32.1.
Variant type: single nucleotide variant.
Coding change: c.8168A>T on transcript NM_001458.5 (MANE Select); coding-DNA position 8168, A replaced by T.
Protein change: p.Lys2723Met; replaces lysine 2723 with methionine.
Molecular consequence: missense variant.
Genome position (GRCh38, 1-based): chr7:128,858,513, A>T. VCF-style: chr7-128858513-A-T. GRCh37 (hg19) VCF-style: chr7-128498567-A-T.
Other names: c.8069A>T, p.Lys2690Met (NM_001127487.2); short protein forms K2690M, K2723M.
Identifiers: ClinVar variation 2133422 (VCV002133422.4), dbSNP rs2536674078, ClinGen allele CA369222233.

ClinVar aggregate classification (germline): Uncertain significance (1 of 4 stars; one submission).

Conditions:
Distal myopathy with posterior leg and anterior hand involvement. Also called: WILLIAMS DISTAL MYOPATHY. Identifiers: Orphanet 63273, MedGen C3279722, MONDO:0013550, OMIM 614065.
Hypertrophic cardiomyopathy 26. Also called: Cardiomyopathy, familial hypertrophic, 26. Identifiers: Orphanet 75249, MedGen C4310749, MONDO:0014883, OMIM 617047.
Myofibrillar myopathy 5. Also called: Filaminopathy (type); FILAMINOPATHY, AUTOSOMAL DOMINANT. Identifiers: Orphanet 171445, MedGen C1836050, MONDO:0012289, OMIM 609524.

Submission:

Labcorp Genetics (formerly Invitae), Labcorp
Classification: Uncertain significance for Distal myopathy with posterior leg and anterior hand involvement; Myofibrillar myopathy 5; Hypertrophic cardiomyopathy 26. Last evaluated: 2022-05-04. Review status: criteria provided, single submitter. Criteria: Invitae Variant Classification Sherloc (09022015). Collection method: clinical testing. Allele origin: germline.
Comment: Algorithms developed to predict the effect of missense changes on protein structure and function (SIFT, PolyPhen-2, Align-GVGD) all suggest that this variant is likely to be tolerated. This variant has not been reported in the literature in individuals affected with FLNC-related conditions. This variant is not present in population databases (gnomAD no frequency). In summary, the available evidence is currently insufficient to determine the role of this variant in disease. Therefore, it has been classified as a Variant of Uncertain Significance. This sequence change replaces lysine, which is basic and polar, with methionine, which is neutral and non-polar, at codon 2723 of the FLNC protein (p.Lys2723Met).